The following is an entry in ClinVar:

NM_001372044.2(SHANK3):c.2416G>A (p.Ala806Thr)

Gene: SHANK3 (SH3 and multiple ankyrin repeat domains 3; plus strand). Cytogenetic location: 22q13.33.
Variant type: single nucleotide variant.
Coding change: c.2416G>A on transcript NM_001372044.2 (MANE Select); coding-DNA position 2416, G replaced by A.
Protein change: p.Ala806Thr; replaces alanine 806 with threonine.
Molecular consequence: missense variant.
Genome position (GRCh38, 1-based): chr22:50,714,973, G>A. VCF-style: chr22-50714973-G-A. GRCh37 (hg19) VCF-style: chr22-51153401-G-A.
Other names: c.2191G>A, p.Ala731Thr (NM_033517.1); short protein forms A806T, A731T.
Identifiers: ClinVar variation 1787430 (VCV001787430.26), dbSNP rs370456561, ClinGen allele CA10325840.
Genomic context (GRCh38, chr22:50,714,973, plus strand): 5'-GCAGAGAAGCTGGACGAGATGCTGGCAGCCGCCGCAGAGCCAACGCTGCGGCCAGACATC[G>A]CAGACGCAGACTCCAGAGCCGCCACCGTCAAACAGAGGCCCACCAGTCGGAGGATCACAC-3'
Protein context (NP_001358973.1, residues 796-816): AAEPTLRPDI[Ala806Thr]DADSRAATVK

ClinVar aggregate classification (germline): Likely benign. Review status: criteria provided, multiple submitters, no conflicts (2 of 4 stars). 2 submissions from 2 submitters: Likely benign (2). Last evaluated 2023-09-26.

Conditions:
Inborn genetic diseases. Identifiers: MedGen C0950123, MeSH D030342.

Allele frequency attached by ClinVar (database versions not stated): gnomAD 0.00003; TOPMed 0.00003; gnomAD exomes 0.00007; ExAC 0.00009.

Submissions (2):

Ambry Genetics
Classification: Likely benign for Inborn genetic diseases. Last evaluated: 2023-09-26. Review status: criteria provided, single submitter. Criteria: Ambry Variant Classification Scheme 2023. Collection method: clinical testing. Allele origin: germline.

CeGaT Center for Human Genetics Tuebingen
Classification: Likely benign. Last evaluated: 2022-09-01. Review status: criteria provided, single submitter. Criteria: CeGaT Center For Human Genetics Tuebingen Variant Classification Criteria Version 2. Collection method: clinical testing. Allele origin: germline. Affected: yes. Observed: 1 variant allele.
Comment: SHANK3: PP2, BS2